The following is an entry in ClinVar:

ClinVar aggregate classification (germline): Conflicting classifications of pathogenicity. Review status: criteria provided, conflicting classifications (1 of 4 stars). 2 submissions from 2 submitters: Likely pathogenic (1); Uncertain significance (1). Last evaluated 2023-05-10.

Conditions:
Inborn genetic diseases. Identifiers: MedGen C0950123, MeSH D030342.
GRIN2B-related disorder. Also called: GRIN2B-related condition.

Submissions (2):

PreventionGenetics, part of Exact Sciences
Classification: Likely pathogenic for GRIN2B-related condition. Last evaluated: 2023-05-10. Review status: criteria provided, single submitter. Criteria: ACMG Guidelines, 2015. Collection method: clinical testing. Allele origin: germline.
Comment: The GRIN2B c.845A>G variant is predicted to result in the amino acid substitution p.Tyr282Cys. To our knowledge, this variant has not been reported in the literature or in a large population database, indicating this variant is rare. A large number of missense de novo variants clustered in the ligand-binding or transmembrane domains of GluN2B have been reported in individuals with GRIN2B-related disorders, although de novo missense variants in other protein coding domains have also been reported (Platzer K et al. 2017. PubMed ID: 28377535; Sabo SL et al. 2023. PubMed ID: 36704660). This variant is interpreted as likely pathogenic.

Ambry Genetics
Classification: Uncertain significance for Inborn genetic diseases. Last evaluated: 2022-12-22. Review status: criteria provided, single submitter. Criteria: Ambry Variant Classification Scheme 2023. Collection method: clinical testing. Allele origin: germline.
Comment: The c.845A>G (p.Y282C) alteration is located in exon 3 (coding exon 2) of the GRIN2B gene. This alteration results from an A to G substitution at nucleotide position 845, causing the tyrosine (Y) at amino acid position 282 to be replaced by a cysteine (C). This variant was not reported in population-based cohorts in the Genome Aggregation Database (gnomAD). This amino acid position is highly conserved in available vertebrate species. This missense alteration is located in a region that has a low rate of benign missense variation (Lek, 2016; Firth, 2009). This alteration is predicted to be deleterious by in silico analysis. Based on insufficient or conflicting evidence, the clinical significance of this alteration remains unclear.

NM_000834.5(GRIN2B):c.845A>G (p.Tyr282Cys)

Gene: GRIN2B (glutamate ionotropic receptor NMDA type subunit 2B; minus strand). Cytogenetic location: 12p13.1.
Variant type: single nucleotide variant.
Coding change: c.845A>G on transcript NM_000834.5 (MANE Select); coding-DNA position 845, A replaced by G.
Protein change: p.Tyr282Cys; replaces tyrosine 282 with cysteine.
Molecular consequence: missense variant.
Genome position (GRCh38, 1-based): chr12:13,753,482, T>C on the plus strand (A>G on the coding strand, the complement: GRIN2B is on the minus strand). VCF-style: chr12-13753482-T-C. GRCh37 (hg19) VCF-style: chr12-13906416-T-C.
Other names: c.845A>G, p.Tyr282Cys (NM_001413992.1, NM_001413993.1, NM_001413994.1 and 1 more transcripts); short protein forms Y282C.
Identifiers: ClinVar variation 2323665 (VCV002323665.3), dbSNP rs2497777318, ClinGen allele CA384053320.